The following is an entry in ClinVar:

ClinVar aggregate classification (germline): Uncertain significance (1 of 4 stars; one submission).

Conditions:
RNF213-related disorder. Also called: RNF213-related condition.

gnomAD v4.1: 27 of 1,614,006 alleles (0.0017%); highest among the groups gnomAD compares: African/African-American, 0.011%; no homozygotes.

Submission:

PreventionGenetics, part of Exact Sciences
Classification: Uncertain significance for RNF213-related condition. Last evaluated: 2026-06-25. Review status: criteria provided, single submitter. Criteria: ACMG Guidelines, 2015. Collection method: clinical testing. Allele origin: germline.
Comment: The RNF213 c.13624G>A variant is predicted to result in the amino acid substitution p.Gly4542Ser. To our knowledge, this variant has not been reported in the literature. This variant is reported in 0.0062% of alleles in individuals of African descent in gnomAD. At this time, the clinical significance of this variant is uncertain due to the absence of conclusive functional and genetic evidence.

NM_001256071.3(RNF213):c.13624G>A (p.Gly4542Ser)

Genes: RNF213-AS1 (RNF213 antisense RNA 1; minus strand), RNF213 (ring finger protein 213; plus strand). Cytogenetic location: 17q25.3.
Variant type: single nucleotide variant.
Coding change: c.13624G>A on transcript NM_001256071.3 (MANE Select); coding-DNA position 13624, G replaced by A.
Protein change: p.Gly4542Ser; replaces glycine 4542 with serine.
Molecular consequence: missense variant.
Genome position (GRCh38, 1-based): chr17:80,379,698, G>A. VCF-style: chr17-80379698-G-A. GRCh37 (hg19) VCF-style: chr17-78353498-G-A.
Other names: c.13771G>A, p.Gly4591Ser (NM_001410195.1, NM_020914.5); short protein forms G4591S, G4542S.
Identifiers: ClinVar variation 4981946 (VCV004981946.1).